The following is an entry in ClinVar:

NM_016341.4(PLCE1):c.4465T>C (p.Cys1489Arg)

Gene: PLCE1 (phospholipase C epsilon 1; plus strand). Cytogenetic location: 10q23.33.
Variant type: single nucleotide variant.
Coding change: c.4465T>C on transcript NM_016341.4 (MANE Select); coding-DNA position 4465, T replaced by C.
Protein change: p.Cys1489Arg; replaces cysteine 1489 with arginine.
Molecular consequence: missense variant.
Genome position (GRCh38, 1-based): chr10:94,270,561, T>C. VCF-style: chr10-94270561-T-C. GRCh37 (hg19) VCF-style: chr10-96030318-T-C.
Other names: c.3541T>C, p.Cys1181Arg (NM_001165979.2); c.4417T>C, p.Cys1473Arg (NM_001288989.2); short protein forms C1181R, C1473R, C1489R.
Identifiers: ClinVar variation 3764787 (VCV003764787.1).

ClinVar aggregate classification (germline): Uncertain significance (1 of 4 stars; one submission).

Conditions:
Nephrotic syndrome, type 3 (NPHS3). Also called: NEPHROTIC SYNDROME, EARLY-ONSET, TYPE 3. Identifiers: Orphanet 656, MedGen C1853124, MONDO:0012546, OMIM 610725.

gnomAD v4.1: 2 of 1,613,858 alleles (0.00012%); highest among the groups gnomAD compares: Non-Finnish European, 0.00017%; no homozygotes.

Submission:

MVZ Medizinische Genetik Mainz
Classification: Uncertain significance for Nephrotic syndrome, type 3. Last evaluated: 2025-02-07. Review status: criteria provided, single submitter. Criteria: UK Practice Guidelines For Variant Classification V4 01 2020. Collection method: clinical testing. Allele origin: germline. Inheritance: Autosomal recessive inheritance. Affected: yes. Observed: 1 variant allele.
Comment: ACMG Criteria: PM3,PP3_MOD,PM2_SUP